The following is an entry in ClinVar:

NM_001165963.4(SCN1A):c.4002+2062A>G

Genes: SCN1A (sodium voltage-gated channel alpha subunit 1; minus strand), LOC102724058 (uncharacterized LOC102724058; plus strand). Cytogenetic location: 2q24.3.
Variant type: single nucleotide variant.
Coding change: c.4002+2062A>G on transcript NM_001165963.4 (MANE Select); 2062 bases into the intron after coding-DNA position 4002, A replaced by G.
Molecular consequence: intron variant.
Genome position (GRCh38, 1-based): chr2:166,007,657, T>C on the plus strand (A>G on the coding strand, the complement: SCN1A is on the minus strand). VCF-style: chr2-166007657-T-C. GRCh37 (hg19) VCF-style: chr2-166864167-T-C.
Other names: c.3969+2062A>G (NM_001353949.2, NM_001353950.2, NM_001353951.2 and 2 more transcripts); c.3918+2062A>G (NM_001353958.2, NM_001353957.2, NM_001165964.3); c.4002+2062A>G (NM_001202435.3, NM_001353948.2); c.3966+2062A>G (NM_001353955.2, NM_001353954.2); c.3915+2062A>G (NM_001353960.2); c.1560+2062A>G (NM_001353961.2).
Identifiers: ClinVar variation 1664904 (VCV001664904.9), dbSNP rs1691837819, ClinGen allele CA2573133071.

ClinVar aggregate classification (germline): Uncertain significance (1 of 4 stars; one submission).

Conditions:
Early-infantile DEE. Also called: Ohtahara syndrome; Early infantile epileptic encephalopathy; Early infantile epileptic encephalopathy with suppression bursts. Identifiers: Orphanet 1934, MedGen C0393706, MONDO:0800491.

Submission:

Labcorp Genetics (formerly Invitae), Labcorp
Classification: Uncertain significance for Early-infantile DEE. Last evaluated: 2024-05-15. Review status: criteria provided, single submitter. Criteria: Invitae Variant Classification Sherloc (09022015). Collection method: clinical testing. Allele origin: germline.
Comment: This sequence change falls in intron 20 of the SCN1A gene. It does not directly change the encoded amino acid sequence of the SCN1A protein. However, this sequence change falls within a region encompassing a cryptic exon in the SCN1A gene, in which variants have been shown to alter splicing (PMID: 30526861, 34107977). This variant is not present in population databases (gnomAD no frequency). This variant has not been reported in the literature in individuals affected with SCN1A-related conditions. ClinVar contains an entry for this variant (Variation ID: 1664904). Algorithms developed to predict the effect of sequence changes on RNA splicing suggest that this variant is not likely to affect RNA splicing. In summary, the available evidence is currently insufficient to determine the role of this variant in disease. Therefore, it has been classified as a Variant of Uncertain Significance.

Literature cited by the submitters: PubMed 30526861; PubMed 34107977.